The following is an entry in ClinVar:

ClinVar aggregate classification (germline): Conflicting classifications of pathogenicity. Review status: criteria provided, conflicting classifications (1 of 4 stars). 2 submissions from 2 submitters: Uncertain significance (1); Likely benign (1). Last evaluated 2026-08-24.

Conditions:
Familial hypobetalipoproteinemia 1. Also called: APOB-Related Familial Hypobetalipoproteinemia; Hypobetalipoproteinemia, normotriglyceridemic; Acanthocytosis with hypobetalipoproteinemia. Identifiers: MedGen C4551990, MONDO:0014252, OMIM 615558.
Hypercholesterolemia, autosomal dominant, type B (FHCL2). Also called: Familial Hypercholesterolemia Type B; APOLIPOPROTEIN B-100, FAMILIAL DEFECTIVE; APOLIPOPROTEIN B-100, FAMILIAL LIGAND-DEFECTIVE; HYPERCHOLESTEROLEMIA, FAMILIAL, DUE TO LIGAND-DEFECTIVE APOLIPOPROTEIN B; Hyperlipoproteinemia Type IIb; APOB-Related Familial Hypercholesterolemia, Autosomal Dominant. Identifiers: MedGen C1704417, MONDO:0007751, OMIM 144010.
Cardiovascular phenotype. Identifiers: MedGen CN230736.

Submissions (2):

Ambry Genetics
Classification: Uncertain significance for Cardiovascular phenotype. Last evaluated: 2026-08-24. Review status: criteria provided, single submitter. Criteria: Ambry Variant Classification Scheme 2023. Collection method: clinical testing. Allele origin: germline.
Comment: The p.N2335S variant (also known as c.7004A>G), located in coding exon 26 of the APOB gene, results from an A to G substitution at nucleotide position 7004. The asparagine at codon 2335 is replaced by serine, an amino acid with highly similar properties. This amino acid position is conserved. In addition, this alteration is predicted to be tolerated by in silico analysis. Based on the available evidence, the clinical significance of this variant remains unclear.

Labcorp Genetics (formerly Invitae), Labcorp
Classification: Likely benign for Familial hypobetalipoproteinemia 1; Hypercholesterolemia, autosomal dominant, type B. Last evaluated: 2024-05-15. Review status: criteria provided, single submitter. Criteria: Invitae Variant Classification Sherloc (09022015). Collection method: clinical testing. Allele origin: germline.

NM_000384.3(APOB):c.7004A>G (p.Asn2335Ser)

Gene: APOB (apolipoprotein B; minus strand). Cytogenetic location: 2p24.1.
Variant type: single nucleotide variant.
Coding change: c.7004A>G on transcript NM_000384.3 (MANE Select); coding-DNA position 7004, A replaced by G.
Protein change: p.Asn2335Ser; replaces asparagine 2335 with serine.
Molecular consequence: missense variant.
Genome position (GRCh38, 1-based): chr2:21,009,864, T>C on the plus strand (A>G on the coding strand, the complement: APOB is on the minus strand). VCF-style: chr2-21009864-T-C. GRCh37 (hg19) VCF-style: chr2-21232736-T-C.
Other names: c.7004A>G (NM_000384.2); short protein forms N2335S.
Identifiers: ClinVar variation 3762677 (VCV003762677.3).